The following is an entry in ClinVar:

NM_001110556.2(FLNA):c.1580G>A (p.Arg527His)

Gene: FLNA (filamin A; minus strand). Cytogenetic location: Xq28.
Variant type: single nucleotide variant.
Coding change: c.1580G>A on transcript NM_001110556.2 (MANE Select); coding-DNA position 1580, G replaced by A.
Protein change: p.Arg527His; replaces arginine 527 with histidine.
Molecular consequence: missense variant.
Genome position (GRCh38, 1-based): chrX:154,365,247, C>T on the plus strand (G>A on the coding strand, the complement: FLNA is on the minus strand). VCF-style: chrX-154365247-C-T. GRCh37 (hg19) VCF-style: chrX-153593615-C-T.
Other names: c.1580G>A, p.Arg527His (NM_001456.4); short protein forms R527H.
Identifiers: ClinVar variation 435208 (VCV000435208.21), dbSNP rs782450368, ClinGen allele CA10561145.

ClinVar aggregate classification (germline): Conflicting classifications of pathogenicity. Review status: criteria provided, conflicting classifications (1 of 4 stars). 5 submissions from 5 submitters: Uncertain significance (3); Likely benign (2). Last evaluated 2025-02-10.

Conditions:
Heterotopia, periventricular, X-linked dominant (PVNH1). Also called: PERIVENTRICULAR NODULAR HETEROTOPIA 4; HETEROTOPIA, PERIVENTRICULAR, 1; PERIVENTRICULAR NODULAR HETEROTOPIA 1; X-linked periventricular heterotopia. Identifiers: Orphanet 2149, Orphanet 82004, MedGen C1848213, MONDO:0010233, OMIM 300049.
Oto-palato-digital syndrome, type II (OPD2). Also called: Otopalatodigital Syndrome, Type II; Otopalatodigital Syndrome Type 2 (FLNA-OPD2); FACIOPALATOOSSEOUS SYNDROME; OPD II SYNDROME. Identifiers: Orphanet 669, Orphanet 90652, MedGen C1844696, MONDO:0010571, OMIM 304120.
Frontometaphyseal dysplasia (FMD1). Identifiers: Orphanet 1826, MedGen C0265293, MONDO:0015942.
Melnick-Needles syndrome (MNS). Also called: Melnick-Needles Syndrome (FLNA-MNS); MELNICK-NEEDLES OSTEODYSPLASTY; OSTEODYSPLASTY OF MELNICK AND NEEDLES. Identifiers: Orphanet 2484, MedGen C0025237, MONDO:0010650, OMIM 309350.
Familial thoracic aortic aneurysm and aortic dissection (TAAD). Also called: Thoracic aortic aneurysms and dissections. Identifiers: Orphanet 91387, MedGen C4707243, MONDO:0019625.

Allele frequency attached by ClinVar (database versions not stated): gnomAD exomes 0.00002; TOPMed 0.00002; ExAC 0.00003.

Submissions (5):

Labcorp Genetics (formerly Invitae), Labcorp
Classification: Likely benign for Oto-palato-digital syndrome, type II; Heterotopia, periventricular, X-linked dominant; Frontometaphyseal dysplasia; Melnick-Needles syndrome. Last evaluated: 2025-02-10. Review status: criteria provided, single submitter. Criteria: Invitae Variant Classification Sherloc (09022015). Collection method: clinical testing. Allele origin: germline.

Ambry Genetics
Classification: Uncertain significance for Familial thoracic aortic aneurysm and aortic dissection. Last evaluated: 2024-08-23. Review status: criteria provided, single submitter. Criteria: Ambry Variant Classification Scheme 2023. Collection method: clinical testing. Allele origin: germline.
Comment: The p.R527H variant (also known as c.1580G>A), located in coding exon 10 of the FLNA gene, results from a G to A substitution at nucleotide position 1580. The arginine at codon 527 is replaced by histidine, an amino acid with highly similar properties. Based on data from gnomAD, the A allele has an overall frequency of 0.0017% (3/181546) total alleles studied, with 1 hemizygote(s) observed. The highest observed frequency was 0.0037% (3/81313) of European (non-Finnish) alleles. This amino acid position is highly conserved in available vertebrate species. In addition, this alteration is predicted to be tolerated by in silico analysis. Based on the available evidence, the clinical significance of this variant remains unclear.

Mayo Clinic Laboratories, Mayo Clinic
Classification: Uncertain significance. Last evaluated: 2021-01-18. Review status: criteria provided, single submitter. Criteria: ACMG Guidelines, 2015. Collection method: clinical testing. Allele origin: germline. Observed: 1 variant allele.

GeneDx
Classification: Likely benign. Last evaluated: 2019-03-13. Review status: criteria provided, single submitter. Criteria: GeneDx Variant Classification Process June 2021. Collection method: clinical testing. Allele origin: germline. Affected: yes.

Genetic Services Laboratory, University of Chicago
Classification: Uncertain significance. Last evaluated: 2016-03-22. Review status: criteria provided, single submitter. Criteria: ACMG Guidelines, 2015. Collection method: clinical testing. Allele origin: germline. Affected: no.